The following is an entry in ClinVar:

NM_201384.3(PLEC):c.4871G>A (p.Arg1624His)

Gene: PLEC (plectin; minus strand). Cytogenetic location: 8q24.3.
Variant type: single nucleotide variant.
Coding change: c.4871G>A on transcript NM_201384.3 (MANE Select); coding-DNA position 4871, G replaced by A.
Protein change: p.Arg1624His; replaces arginine 1624 with histidine.
Molecular consequence: missense variant.
Genome position (GRCh38, 1-based): chr8:143,925,058, C>T on the plus strand (G>A on the coding strand, the complement: PLEC is on the minus strand). VCF-style: chr8-143925058-C-T. GRCh37 (hg19) VCF-style: chr8-144999226-C-T.
Other names: c.4952G>A, p.Arg1651His (NM_000445.5); c.4829G>A, p.Arg1610His (NM_201378.4); c.4805G>A, p.Arg1602His (NM_201379.3); c.5282G>A, p.Arg1761His (NM_201380.4); c.4775G>A, p.Arg1592His (NM_201381.3); c.4871G>A, p.Arg1624His (NM_201382.4); c.4883G>A, p.Arg1628His (NM_201383.3); short protein forms R1602H, R1628H, R1761H, R1592H, R1651H, R1610H, R1624H.
Identifiers: ClinVar variation 650873 (VCV000650873.8), dbSNP rs782531607, ClinGen allele CA4926514.

ClinVar aggregate classification (germline): Uncertain significance. Review status: criteria provided, multiple submitters, no conflicts (2 of 4 stars). 2 submissions from 2 submitters: Uncertain significance (2). Last evaluated 2024-01-25.

Conditions:
Epidermolysis bullosa simplex, Ogna type (EBS5A). Also called: Pidermolysis bullosa simplex 5A, Ogna type; EPIDERMOLYSIS BULLOSA SIMPLEX 5A, OGNA TYPE. Identifiers: Orphanet 79401, MedGen C0432317, MONDO:0007555, OMIM 131950.
Epidermolysis bullosa simplex 5C, with pyloric atresia (EBS5C). Also called: Epidermolysis bullosa simplex with pyloric atresia; PLEC-Related Epidermolysis Bullosa with Pyloric Atresia; PLEC1-Related Epidermolysis Bullosa with Pyloric Atresia. Identifiers: Orphanet 158684, MedGen C2677349, MONDO:0012807, OMIM 612138.
Epidermolysis bullosa simplex with nail dystrophy (EBS5D). Identifiers: MedGen C4225309, MONDO:0014661, OMIM 616487.
Epidermolysis bullosa simplex 5B, with muscular dystrophy (EBS5B). Also called: EPIDERMOLYSIS BULLOSA SIMPLEX AND LIMB-GIRDLE MUSCULAR DYSTROPHY; Epidermolysis bullosa simplex with muscular dystrophy. Identifiers: Orphanet 257, MedGen C2931072, MONDO:0009181, OMIM 226670.
Autosomal recessive limb-girdle muscular dystrophy type 2Q (LGMDR17). Also called: MUSCULAR DYSTROPHY, LIMB-GIRDLE, AUTOSOMAL RECESSIVE 17. Identifiers: Orphanet 254361, MedGen C3150989, MONDO:0013390, OMIM 613723.

Allele frequency attached by ClinVar (database versions not stated): ExAC below 0.00001; gnomAD 0.00001; gnomAD exomes 0.00003; TOPMed 0.00003.
gnomAD v4.1: 29 of 1,542,224 alleles (0.0019%); highest among the groups gnomAD compares: Middle Eastern, 0.018%; no homozygotes.

Submissions (2):

Labcorp Genetics (formerly Invitae), Labcorp
Classification: Uncertain significance for Autosomal recessive limb-girdle muscular dystrophy type 2Q; Epidermolysis bullosa simplex, Ogna type; Epidermolysis bullosa simplex with nail dystrophy; Epidermolysis bullosa simplex 5C, with pyloric atresia; Epidermolysis bullosa simplex 5B, with muscular dystrophy. Last evaluated: 2024-01-25. Review status: criteria provided, single submitter. Criteria: Invitae Variant Classification Sherloc (09022015). Collection method: clinical testing. Allele origin: germline.
Comment: This sequence change replaces arginine, which is basic and polar, with histidine, which is basic and polar, at codon 1651 of the PLEC protein (p.Arg1651His). This variant is present in population databases (rs782531607, gnomAD 0.009%). This variant has not been reported in the literature in individuals affected with PLEC-related conditions. ClinVar contains an entry for this variant (Variation ID: 650873). Advanced modeling of protein sequence and biophysical properties (such as structural, functional, and spatial information, amino acid conservation, physicochemical variation, residue mobility, and thermodynamic stability) performed at Invitae indicates that this missense variant is not expected to disrupt PLEC protein function with a negative predictive value of 80%. In summary, the available evidence is currently insufficient to determine the role of this variant in disease. Therefore, it has been classified as a Variant of Uncertain Significance.

Revvity Omics, Revvity
Classification: Uncertain significance. Last evaluated: 2020-11-24. Review status: criteria provided, single submitter. Criteria: ACMG Guidelines, 2015. Collection method: clinical testing. Allele origin: germline.